The following is an entry in ClinVar:

ClinVar aggregate classification (germline): Benign. Review status: reviewed by expert panel (3 of 4 stars). 9 submissions from 9 submitters: Benign (1). 8 of the submissions do not count toward it. Last evaluated 2017-04-18.

Conditions:
Noonan syndrome and Noonan-related syndrome. Identifiers: Orphanet 98733, MedGen C5681679, MONDO:0020297.
Cardiovascular phenotype. Identifiers: MedGen CN230736.
RASopathy. Also called: rasopathies; Noonan spectrum disorder. Identifiers: Orphanet 536391, MedGen C5555857, MONDO:0021060.
Costello syndrome (CSTLO). Also called: HRAS-Related Costello Syndrome; FACIOCUTANEOSKELETAL SYNDROME; FCS SYNDROME. Identifiers: Orphanet 3071, MedGen C0587248, MONDO:0009026, OMIM 218040.

Allele frequency attached by ClinVar (database versions not stated): 1000 Genomes Project 30x 0.00031; gnomAD 0.00001 and 0.00005; TOPMed 0.00002; gnomAD exomes 0.00012 and 0.00018; 1000 Genomes Project 0.00020; ExAC 0.00021.
gnomAD v4.1: 182 of 1,613,784 alleles (0.011%); highest among the groups gnomAD compares: South Asian, 0.14%; 1 homozygote.

Submissions (9):

ClinGen RASopathy Variant Curation Expert Panel
Classification: Benign for Noonan syndrome and Noonan-related syndrome. Last evaluated: 2017-04-18. Review status: reviewed by expert panel. Criteria: ClinGen RASopathy ACMG Specifications v1. Collection method: curation. Allele origin: germline. Inheritance: Autosomal dominant inheritance.
Comment: The filtering allele frequency of the c.378A>G (p.Glu126=) variant in the HRAS gene is 0.095% (23/16510) of South Asian chromosomes by the Exome Aggregation Consortium, which is a high enough frequency to be classified as benign based on thresholds defined by the ClinGen RASopathy Expert Panel (BA1; PMID:29493581)

CeGaT Center for Human Genetics Tuebingen
Classification: Likely benign. Last evaluated: 2026-02-01. Review status: criteria provided, single submitter. Criteria: CeGaT Center For Human Genetics Tuebingen Variant Classification Criteria Version 2. Collection method: clinical testing. Allele origin: germline. Affected: yes. Observed: 1 variant allele. Not counted in ClinVar's aggregate classification.
Comment: HRAS: BP4, BP7, BS1

Labcorp Genetics (formerly Invitae), Labcorp
Classification: Benign for Costello syndrome. Last evaluated: 2026-01-01. Review status: criteria provided, single submitter. Criteria: Invitae Variant Classification Sherloc (09022015). Collection method: clinical testing. Allele origin: germline. Not counted in ClinVar's aggregate classification.

Blueprint Genetics
Classification: Likely benign. Last evaluated: 2024-09-09. Review status: criteria provided, single submitter. Criteria: ACMG Guidelines, 2015. Collection method: clinical testing. Allele origin: germline. Not counted in ClinVar's aggregate classification.

Ambry Genetics
Classification: Benign for Cardiovascular phenotype. Last evaluated: 2021-05-18. Review status: criteria provided, single submitter. Criteria: Ambry Variant Classification Scheme 2023. Collection method: clinical testing. Allele origin: germline. Not counted in ClinVar's aggregate classification.

Genome Diagnostics Laboratory, The Hospital for Sick Children
Classification: Benign for Noonan syndrome and Noonan-related syndrome. Last evaluated: 2020-09-21. Review status: criteria provided, single submitter. Criteria: ACMG Guidelines, 2015. Collection method: clinical testing. Allele origin: germline. Not counted in ClinVar's aggregate classification.

Women's Health and Genetics/Laboratory Corporation of America, LabCorp
Classification: Benign. Last evaluated: 2016-10-03. Review status: criteria provided, single submitter. Criteria: LabCorp Variant Classification Summary - May 2015. Collection method: clinical testing. Allele origin: germline. Not counted in ClinVar's aggregate classification.
Comment: Variant summary: The HRAS c.378A>G (p.Glu126Glu) variant involves the alteration of a non-conserved nucleotide, resulting in a synonymous change. One in silico tool predicts a damaging outcome for this variant. 1/5 splice prediction tools predict that this variant may create a novel 3' splicing acceptor site. 2/5 splice prediction tools predict that this variant may weaken a cryptic 3' splicing acceptor site. ESE finder predicts that this variant may affect multiple ESE sites. However, these predictions have yet to be confirmed by functional studies. This variant was found in 25/120908 control chromosomes at a frequency of 0.0002068, which is approximately 83 times the estimated maximal expected allele frequency of a pathogenic HRAS variant (0.0000025), suggesting this variant is likely a benign polymorphism. In addition, one clinical diagnostic laboratory classified this variant as likely benign. The variant of interest has not, to our knowledge, been reported in affected individuals via publications and/or reputable databases/clinical diagnostic laboratories; nor evaluated for functional impact by in vivo/vitro studies. Taken together, this variant is classified as benign.

GeneDx
Classification: Benign. Last evaluated: 2015-03-03. Review status: criteria provided, single submitter. Criteria: GeneDx Variant Classification Process June 2021. Collection method: clinical testing. Allele origin: germline. Affected: yes. Not counted in ClinVar's aggregate classification.

Laboratory for Molecular Medicine, Mass General Brigham Personalized Medicine
Classification: Likely benign. Last evaluated: 2010-01-27. Review status: criteria provided, single submitter. Criteria: LMM Criteria. Collection method: clinical testing. Allele origin: germline. Observed: 1 variant allele. Not counted in ClinVar's aggregate classification.

NM_005343.4(HRAS):c.378A>G (p.Glu126=)

Genes: HRAS (HRas proto-oncogene, GTPase; minus strand), LRRC56 (leucine rich repeat containing 56; plus strand). Cytogenetic location: 11p15.5.
Variant type: single nucleotide variant.
Coding change: c.378A>G on transcript NM_005343.4 (MANE Select); coding-DNA position 378, A replaced by G.
Protein change: p.Glu126=; no amino-acid change (glutamic acid 126 retained).
Molecular consequence: synonymous variant. On other transcripts: missense variant (1).
Genome position (GRCh38, 1-based): chr11:533,525, T>C on the plus strand (A>G on the coding strand, the complement: HRAS is on the minus strand). VCF-style: chr11-533525-T-C. GRCh37 (hg19) VCF-style: chr11-533525-T-C.
Other names: p.E126E; NM_005343.3(HRAS):c.378A>G; p.Glu126Glu; c.378A>G, p.Glu126= (NM_001130442.3, NM_176795.5); c.59A>G, p.Asn20Ser (NM_001318054.2); short protein forms N20S.
Identifiers: ClinVar variation 40442 (VCV000040442.27), dbSNP rs397517140, ClinGen allele CA135984.